The following is an entry in ClinVar:

ClinVar aggregate classification (germline): Uncertain significance. Review status: criteria provided, multiple submitters, no conflicts (2 of 4 stars). 2 submissions from 2 submitters: Uncertain significance (2). Last evaluated 2025-08-11.

Allele frequency attached by ClinVar (database versions not stated): ExAC 0.00007; gnomAD exomes 0.00011; TOPMed 0.00014; ESP Exome Variant Server 0.00015; gnomAD 0.00017.

Submissions (2):

Ambry Genetics
Classification: Uncertain significance. Last evaluated: 2025-08-11. Review status: criteria provided, single submitter. Criteria: Ambry Variant Classification Scheme 2023. Collection method: clinical testing. Allele origin: germline.

Women's Health and Genetics/Laboratory Corporation of America, LabCorp
Classification: Uncertain significance. Last evaluated: 2024-02-02. Review status: criteria provided, single submitter. Criteria: LabCorp Variant Classification Summary - May 2015. Collection method: clinical testing. Allele origin: germline.
Comment: Variant summary: PLEKHG2 c.1430G>A (p.Arg477Gln) results in a conservative amino acid change in the encoded protein sequence. Five of five in-silico tools predict a benign effect of the variant on protein function. The variant allele was found at a frequency of 4.4e-05 in 250902 control chromosomes (gnomAD). The available data on variant occurrences in the general population are insufficient to allow any conclusion about variant significance. To our knowledge, no occurrence of c.1430G>A in individuals affected with Leukodystrophy And Acquired Microcephaly With Or Without Dystonia and no experimental evidence demonstrating its impact on protein function have been reported. No submitters have reported clinical-significance assessments for this variant to ClinVar. Based on the evidence outlined above, the variant was classified as uncertain significance.

NM_022835.3(PLEKHG2):c.1430G>A (p.Arg477Gln)

Gene: PLEKHG2 (pleckstrin homology and RhoGEF domain containing G2; plus strand). Cytogenetic location: 19q13.2.
Variant type: single nucleotide variant.
Coding change: c.1430G>A on transcript NM_022835.3 (MANE Select); coding-DNA position 1430, G replaced by A.
Protein change: p.Arg477Gln; replaces arginine 477 with glutamine.
Molecular consequence: missense variant.
Genome position (GRCh38, 1-based): chr19:39,420,979, G>A. VCF-style: chr19-39420979-G-A. GRCh37 (hg19) VCF-style: chr19-39911619-G-A.
Other names: c.1430G>A (NM_022835.2); c.1253G>A, p.Arg418Gln (NM_001351693.2); c.1430G>A, p.Arg477Gln (NM_001351694.2); short protein forms R418Q, R477Q.
Identifiers: ClinVar variation 3068763 (VCV003068763.3), dbSNP rs374529902, ClinGen allele CA9429507.